The following is an entry in ClinVar:

NM_000070.3(CAPN3):c.1355-10G>A

Gene: CAPN3 (calpain 3; plus strand). Cytogenetic location: 15q15.1.
Variant type: single nucleotide variant.
Coding change: c.1355-10G>A on transcript NM_000070.3 (MANE Select); 10 bases into the intron before coding-DNA position 1355, G replaced by A.
Molecular consequence: intron variant.
Genome position (GRCh38, 1-based): chr15:42,401,631, G>A. VCF-style: chr15-42401631-G-A. GRCh37 (hg19) VCF-style: chr15-42693829-G-A.
Other names: c.1355-10G>A (NM_024344.2); c.1211-10G>A (NM_173087.2).
Identifiers: ClinVar variation 1050904 (VCV001050904.12), dbSNP rs1388234925, ClinGen allele CA618001512.

ClinVar aggregate classification (germline): Uncertain significance. Review status: criteria provided, single submitter (1 of 4 stars). 2 submissions from 2 submitters: Uncertain significance (1). 1 of the submissions does not count toward it. Last evaluated 2023-10-20.

Conditions:
Autosomal recessive limb-girdle muscular dystrophy type 2A (LGMDR1). Also called: Muscular dystrophy, limb-girdle, type 2A, Amish; LEYDEN-MOEBIUS MUSCULAR DYSTROPHY; MUSCULAR DYSTROPHY, PELVOFEMORAL; Limb-girdle muscular dystrophy, type 2A; Calpainopathy. Identifiers: Orphanet 267, MedGen C1869123, MONDO:0009675, OMIM 253600. Disease mechanism: loss of function.

Allele frequency attached by ClinVar (database versions not stated): gnomAD exomes below 0.00001.

Submissions (2):

Labcorp Genetics (formerly Invitae), Labcorp
Classification: Uncertain significance for Autosomal recessive limb-girdle muscular dystrophy type 2A. Last evaluated: 2023-10-20. Review status: criteria provided, single submitter. Criteria: Invitae Variant Classification Sherloc (09022015). Collection method: clinical testing. Allele origin: germline.
Comment: This sequence change falls in intron 10 of the CAPN3 gene. It does not directly change the encoded amino acid sequence of the CAPN3 protein. This variant is present in population databases (no rsID available, gnomAD 0.0009%). This variant has not been reported in the literature in individuals affected with CAPN3-related conditions. ClinVar contains an entry for this variant (Variation ID: 1050904). Algorithms developed to predict the effect of sequence changes on RNA splicing suggest that this variant may disrupt the consensus splice site. In summary, the available evidence is currently insufficient to determine the role of this variant in disease. Therefore, it has been classified as a Variant of Uncertain Significance.

Natera, Inc.
Classification: Uncertain significance for Limb-girdle muscular dystrophy type 2A. Last evaluated: 2020-10-30. Review status: no assertion criteria provided. Collection method: clinical testing. Allele origin: germline. Not counted in ClinVar's aggregate classification.